The following is an entry in ClinVar:

NM_173500.4(TTBK2):c.2983del (p.Leu995fs)

Gene: TTBK2 (tau tubulin kinase 2; minus strand). Cytogenetic location: 15q15.2.
Variant type: Deletion.
Coding change: c.2983del on transcript NM_173500.4 (MANE Select); coding-DNA position 2983, one base deleted (C; older notation c.2983delC).
Protein change: p.Leu995fs; shifts the reading frame from leucine 995.
Molecular consequence: frameshift variant.
Genome position (GRCh38, 1-based): chr15:42,752,263, G deleted on the plus strand (C on the coding strand, the reverse complement: TTBK2 is on the minus strand); the first of 2 consecutive G bases (chr15:42,752,263-42,752,264); deleting either gives the same sequence. VCF-style (leftmost placement, unchanged base first): chr15-42752262-AG-A. GRCh37 (hg19) VCF-style: chr15-43044460-AG-A.
Other names: short protein forms L995fs.
Identifiers: ClinVar variation 1256335 (VCV001256335.2), dbSNP rs2140591830, ClinGen allele CA2499222929.
Genomic context (GRCh38, chr15:42,752,262, plus strand): 5'-CAAAAGGGAGCAGGAACAGTAGCTAGTTTCTCCTCTAGCAATTTATCAGAGGCACTTGAG[AG>A]GTCGCCAAGGAAGGACTTGAATTGTCTTTTTTCCACCAGAAGCTTGACTAGGTCTGGCTG-3'

ClinVar aggregate classification (germline): Pathogenic (1 of 4 stars; one submission).

Submission:

Athena Diagnostics
Classification: Pathogenic. Last evaluated: 2021-07-13. Review status: criteria provided, single submitter. Criteria: Athena Diagnostics Criteria. Collection method: clinical testing. Allele origin: unknown.
Comment: This variant is expected to result in the loss of a functional protein. This variant has not been reported in large, multi-ethnic general populations. This variant has been identified in at least one individual with clinical features associated with this gene.